The following is an entry in ClinVar:

NM_003742.4(ABCB11):c.2999A>G (p.Tyr1000Cys)

Gene: ABCB11 (ATP binding cassette subfamily B member 11; minus strand). Cytogenetic location: 2q31.1.
Variant type: single nucleotide variant.
Coding change: c.2999A>G on transcript NM_003742.4 (MANE Select); coding-DNA position 2999, A replaced by G.
Protein change: p.Tyr1000Cys; replaces tyrosine 1000 with cysteine.
Molecular consequence: missense variant.
Genome position (GRCh38, 1-based): chr2:168,935,241, T>C on the plus strand (A>G on the coding strand, the complement: ABCB11 is on the minus strand). VCF-style: chr2-168935241-T-C. GRCh37 (hg19) VCF-style: chr2-169791751-T-C.
Other names: p.Tyr1000Cys; short protein forms Y1000C.
Identifiers: ClinVar variation 2682754 (VCV002682754.1), dbSNP rs764949363, ClinGen allele CA1951143.

ClinVar aggregate classification (germline): Uncertain significance (1 of 4 stars; one submission).

Allele frequency attached by ClinVar (database versions not stated): TOPMed below 0.00001; ExAC 0.00001; gnomAD exomes 0.00001.
gnomAD v4.1: 3 of 1,613,960 alleles (0.00019%); highest among the groups gnomAD compares: Admixed American, 0.005%; no homozygotes.

Submission:

Mayo Clinic Laboratories, Mayo Clinic
Classification: Uncertain significance. Last evaluated: 2022-02-24. Review status: criteria provided, single submitter. Criteria: ACMG Guidelines, 2015. Collection method: clinical testing. Allele origin: germline. Observed: 1 variant allele.
Comment: PP3, PM2